The following is an entry in ClinVar:

NM_014491.4(FOXP2):c.570A>G (p.Gln190=)

Gene: FOXP2 (forkhead box P2; plus strand). Cytogenetic location: 7q31.1.
Variant type: single nucleotide variant.
Coding change: c.570A>G on transcript NM_014491.4 (MANE Select); coding-DNA position 570, A replaced by G.
Protein change: p.Gln190=; no amino-acid change (glutamine 190 retained).
Molecular consequence: synonymous variant. On other transcripts: non-coding transcript variant (2).
Genome position (GRCh38, 1-based): chr7:114,629,978, A>G. VCF-style: chr7-114629978-A-G. GRCh37 (hg19) VCF-style: chr7-114270033-A-G.
Other names: c.570A>G, p.Gln190= (NM_001172766.3, NM_148899.3); c.645A>G, p.Gln215= (NM_001172767.2, NM_148898.4); c.621A>G, p.Gln207= (NM_148900.4).
Identifiers: ClinVar variation 95611 (VCV000095611.16), dbSNP rs61758964, ClinGen allele CA148657.

ClinVar aggregate classification (germline): Benign. Review status: criteria provided, multiple submitters, no conflicts (2 of 4 stars). 6 submissions from 6 submitters: Benign (5). 1 of the submissions does not count toward it. Last evaluated 2021-07-27.

Conditions:
FOXP2-related disorder. Also called: FOXP2-related condition.
Inborn genetic diseases. Identifiers: MedGen C0950123, MeSH D030342.
Childhood apraxia of speech (SPCH1). Also called: SPEECH AND LANGUAGE DISORDER WITH OROFACIAL DYSPRAXIA; DEVELOPMENTAL VERBAL DYSPRAXIA; FOXP2-Related Speech and Language Disorder; Speech language disorder. Identifiers: Orphanet 209908, MedGen C0750927, MONDO:0011184, OMIM 602081.

Allele frequency attached by ClinVar (database versions not stated): gnomAD exomes 0.01723 and 0.00384; 1000 Genomes Project 30x 0.01218; ExAC 0.01087; ESP Exome Variant Server 0.00115; gnomAD 0.01029 and 0.01012; 1000 Genomes Project 0.01318.
gnomAD v4.1: 7,169 of 1,609,070 alleles (0.45%); highest among the groups gnomAD compares: Admixed American, 10%; 373 homozygotes.

Submissions (6):

Fulgent Genetics
Classification: Benign for Childhood apraxia of speech. Last evaluated: 2021-07-27. Review status: criteria provided, single submitter. Criteria: ACMG Guidelines, 2015. Collection method: clinical testing. Allele origin: unknown.

Illumina Laboratory Services, Illumina
Classification: Benign for Childhood apraxia of speech. Last evaluated: 2018-01-12. Review status: criteria provided, single submitter. Criteria: ICSL Variant Classification Criteria 13 December 2019. Collection method: clinical testing. Allele origin: germline.
Comment: This variant was observed in the ICSL laboratory as part of a predisposition screen in an ostensibly healthy population. It had not been previously curated by ICSL or reported in the Human Gene Mutation Database (HGMD: prior to June 1st, 2018), and was therefore a candidate for classification through an automated scoring system. Utilizing variant allele frequency, disease prevalence and penetrance estimates, and inheritance mode, an automated score was calculated to assess if this variant is too frequent to cause the disease. Based on the score and internal cut-off values, a variant classified as benign is not then subjected to further curation. The score for this variant resulted in a classification of benign for this disease.

Ambry Genetics
Classification: Benign for Inborn genetic diseases. Last evaluated: 2016-04-14. Review status: criteria provided, single submitter. Criteria: Ambry Variant Classification Scheme 2023. Collection method: clinical testing. Allele origin: germline.

Eurofins Ntd Llc (ga)
Classification: Benign. Last evaluated: 2015-07-14. Review status: criteria provided, single submitter. Criteria: EGL Classification Definitions 2015. Collection method: clinical testing. Allele origin: germline. Observed: 1 variant allele, 1 heterozygote.

Breakthrough Genomics
Classification: Benign. Review status: criteria provided, single submitter. Criteria: ACMG Guidelines, 2015. Collection method: not provided. Allele origin: germline. Inheritance: Autosomal dominant inheritance. Affected: yes.

PreventionGenetics, part of Exact Sciences
Classification: Benign for FOXP2-related condition. Last evaluated: 2021-01-05. Review status: no assertion criteria provided. Collection method: clinical testing. Allele origin: germline. Not counted in ClinVar's aggregate classification.
Comment: This variant is classified as benign based on ACMG/AMP sequence variant interpretation guidelines (Richards et al. 2015 PMID: 25741868, with internal and published modifications).